The following is an entry in ClinVar:

ClinVar aggregate classification (germline): Uncertain significance (1 of 4 stars; one submission).

Submission:

Labcorp Genetics (formerly Invitae), Labcorp
Classification: Uncertain significance. Last evaluated: 2024-03-26. Review status: criteria provided, single submitter. Criteria: Invitae Variant Classification Sherloc (09022015). Collection method: clinical testing. Allele origin: germline.
Comment: This sequence change replaces arginine, which is basic and polar, with cysteine, which is neutral and slightly polar, at codon 498 of the ENPP1 protein (p.Arg498Cys). This variant is present in population databases (rs747478255, gnomAD 0.004%). This variant has not been reported in the literature in individuals affected with ENPP1-related conditions. Advanced modeling of protein sequence and biophysical properties (such as structural, functional, and spatial information, amino acid conservation, physicochemical variation, residue mobility, and thermodynamic stability) performed at Invitae indicates that this missense variant is expected to disrupt ENPP1 protein function with a positive predictive value of 80%. In summary, the available evidence is currently insufficient to determine the role of this variant in disease. Therefore, it has been classified as a Variant of Uncertain Significance.

NM_006208.3(ENPP1):c.1492C>T (p.Arg498Cys)

Gene: ENPP1 (ectonucleotide pyrophosphatase/phosphodiesterase 1; plus strand). Cytogenetic location: 6q23.2.
Variant type: single nucleotide variant.
Coding change: c.1492C>T on transcript NM_006208.3 (MANE Select); coding-DNA position 1492, C replaced by T.
Protein change: p.Arg498Cys; replaces arginine 498 with cysteine.
Molecular consequence: missense variant.
Genome position (GRCh38, 1-based): chr6:131,872,977, C>T. VCF-style: chr6-131872977-C-T. GRCh37 (hg19) VCF-style: chr6-132194117-C-T.
Other names: short protein forms R498C.
Identifiers: ClinVar variation 3613057 (VCV003613057.2).